The following is an entry in ClinVar:

NM_007272.3(CTRC):c.778G>C (p.Asp260His)

Gene: CTRC (chymotrypsin C; plus strand). Cytogenetic location: 1p36.21.
Variant type: single nucleotide variant.
Coding change: c.778G>C on transcript NM_007272.3 (MANE Select); coding-DNA position 778, G replaced by C.
Protein change: p.Asp260His; replaces aspartic acid 260 with histidine.
Molecular consequence: missense variant.
Genome position (GRCh38, 1-based): chr1:15,445,735, G>C. VCF-style: chr1-15445735-G-C. GRCh37 (hg19) VCF-style: chr1-15772230-G-C.
Other names: short protein forms D260H.
Identifiers: ClinVar variation 3270172 (VCV003270172.1).
Genomic context (GRCh38, chr1:15,445,735, plus strand): 5'-CGGCGGGGCTGCAACACCCGCAAGAAGCCGGTAGTCTACACCCGGGTGTCCGCCTACATC[G>C]ACTGGATCAACGAGGTGGGTGCTGCCTCCACAGCTGTCCCTGCACCTGTCAGCCCCTCCC-3'
Protein context (NP_009203.2, residues 250-268): VVYTRVSAYI[Asp260His]WINEKMQL

ClinVar aggregate classification (germline): Uncertain significance (1 of 4 stars; one submission).

Conditions:
Hereditary pancreatitis (PCTT). Also called: Hereditary chronic pancreatitis; PRSS1-Related Hereditary Pancreatitis. Identifiers: Orphanet 676, MedGen C0238339, MONDO:0008185, OMIM 167800.

Submission:

Ambry Genetics
Classification: Uncertain significance for Hereditary pancreatitis. Last evaluated: 2024-06-12. Review status: criteria provided, single submitter. Criteria: Ambry Variant Classification Scheme 2023. Collection method: clinical testing. Allele origin: germline.
Comment: The p.D260H variant (also known as c.778G>C), located in coding exon 7 of the CTRC gene, results from a G to C substitution at nucleotide position 778. The aspartic acid at codon 260 is replaced by histidine, an amino acid with similar properties. This amino acid position is conserved. In addition, this alteration is predicted to be deleterious by in silico analysis. Based on the available evidence, the clinical significance of this variant remains unclear.